The following is an entry in ClinVar:

NM_006648.4(WNK2):c.5762C>T (p.Ala1921Val)

Gene: WNK2 (WNK lysine deficient protein kinase 2; plus strand). Cytogenetic location: 9q22.31.
Variant type: single nucleotide variant.
Coding change: c.5762C>T on transcript NM_006648.4 (MANE Select); coding-DNA position 5762, C replaced by T.
Protein change: p.Ala1921Val; replaces alanine 1921 with valine.
Molecular consequence: missense variant.
Genome position (GRCh38, 1-based): chr9:93,297,906, C>T. VCF-style: chr9-93297906-C-T. GRCh37 (hg19) VCF-style: chr9-96060188-C-T.
Other names: c.5873C>T, p.Ala1958Val (NM_001282394.3); short protein forms A1958V, A1921V.
Identifiers: ClinVar variation 3817123 (VCV003817123.1).
Genomic context (GRCh38, chr9:93,297,906, plus strand): 5'-CCTGCAGGCACCTGAAGGAGATCTCGGAGCTGCAGAGCCAGCAGAAGCAGGAGATCGAAG[C>T]TCTGTACCGCCGCCTGGGCAAGCCACTGCCCCCCAACGTGGGCTTCTTCCACACGGCACC-3'
Protein context (NP_006639.3, residues 1911-1931): LQSQQKQEIE[Ala1921Val]LYRRLGKPLP

ClinVar aggregate classification (germline): Uncertain significance (1 of 4 stars; one submission).

Submission:

Ambry Genetics
Classification: Uncertain significance. Last evaluated: 2025-02-21. Review status: criteria provided, single submitter. Criteria: Ambry Variant Classification Scheme 2023. Collection method: clinical testing. Allele origin: germline.
Comment: The p.A1921V variant (also known as c.5762C>T), located in coding exon 23 of the WNK2 gene, results from a C to T substitution at nucleotide position 5762. The alanine at codon 1921 is replaced by valine, an amino acid with similar properties. This amino acid position is conserved. In addition, this alteration is predicted to be tolerated by in silico analysis. Based on the available evidence, the clinical significance of this variant remains unclear.